The following is an entry in ClinVar:

NM_000815.5(GABRD):c.430_432dup (p.Ile144_Arg145insIle)

Gene: GABRD (gamma-aminobutyric acid type A receptor subunit delta; plus strand). Cytogenetic location: 1p36.33.
Variant type: Duplication.
Coding change: c.430_432dup on transcript NM_000815.5 (MANE Select); coding-DNA positions 430 to 432, 3 bases duplicated (ATC; older notation c.430_432dupATC).
Protein change: p.Ile144_Arg145insIle.
Molecular consequence: inframe insertion.
Genome position (GRCh38, 1-based): chr1:2,025,698-2,025,700, ATC duplicated; duplicating any 3 consecutive bases within chr1:2,025,696-2,025,700 gives the same sequence; the c. name uses the placement nearest the transcript's 3' end. VCF-style (leftmost placement, unchanged base first): chr1-2025695-C-CTCA. GRCh37 (hg19) VCF-style: chr1-1957134-C-CTCA.
Identifiers: ClinVar variation 2164948 (VCV002164948.4), dbSNP rs2525629728, ClinGen allele CA2580061402.

ClinVar aggregate classification (germline): Uncertain significance (1 of 4 stars; one submission).

Conditions:
Idiopathic generalized epilepsy. Also called: Generalised epilepsy; EIG. Identifiers: MedGen C0270850, MONDO:0005579, OMIM 600669.

Submission:

Labcorp Genetics (formerly Invitae), Labcorp
Classification: Uncertain significance for Idiopathic generalized epilepsy. Last evaluated: 2022-07-05. Review status: criteria provided, single submitter. Criteria: Invitae Variant Classification Sherloc (09022015). Collection method: clinical testing. Allele origin: germline.
Comment: In summary, the available evidence is currently insufficient to determine the role of this variant in disease. Therefore, it has been classified as a Variant of Uncertain Significance. Experimental studies and prediction algorithms are not available or were not evaluated, and the functional significance of this variant is currently unknown. This variant has not been reported in the literature in individuals affected with GABRD-related conditions. This variant is not present in population databases (gnomAD no frequency). This variant, c.430_432dup, results in the insertion of 1 amino acid(s) of the GABRD protein (p.Ile144dup), but otherwise preserves the integrity of the reading frame.